The following is an entry in ClinVar:

NM_001114753.3(ENG):c.1334del (p.Met445fs)

Genes: ENG (endoglin; minus strand), LOC102723566 (uncharacterized LOC102723566; plus strand). Cytogenetic location: 9q34.11.
Variant type: Deletion.
Coding change: c.1334del on transcript NM_001114753.3 (MANE Select); coding-DNA position 1334, one base deleted (T; older notation c.1334delT).
Protein change: p.Met445fs; shifts the reading frame from methionine 445.
Molecular consequence: frameshift variant.
Genome position (GRCh38, 1-based): chr9:127,818,810, A deleted on the plus strand (T on the coding strand, the reverse complement: ENG is on the minus strand). VCF-style (leftmost placement, unchanged base first): chr9-127818809-CA-C. GRCh37 (hg19) VCF-style: chr9-130581088-CA-C.
Other names: c.1334delT (NM_000118.3); c.1334delT, p.Met445Argfs (NM_000118.4); c.788del, p.Met263fs (NM_001278138.2); short protein forms M263fs, M445fs.
Identifiers: ClinVar variation 426043 (VCV000426043.4), dbSNP rs1085307432, ClinGen allele CA645293878.
Genomic context (GRCh38, chr9:127,818,809, plus strand): 5'-GTTGGAGGCCTGGAGGAAGTGTGGGCTGAGGTAGAGGCCCAGCTGGAAAGAGAGGCTGTC[CA>C]TGTTGAGGCAGTGCACCTTTTTCTGGGGGAGGACGGGAGGGAGACTTGGTCAATCTGGCG-3'

ClinVar aggregate classification (germline): Pathogenic. Review status: criteria provided, single submitter (1 of 4 stars). 2 submissions from 2 submitters: Pathogenic (1). 1 of the submissions does not count toward it. Last evaluated 2018-01-01.

Conditions:
Pulmonary arterial hypertension related to hereditary hemorrhagic telangiectasia. Also called: PULMONARY ARTERIAL HYPERTENSION, HEREDITARY HEMORRHAGIC TELANGIECTASIA-RELATED. Identifiers: MedGen C1832529.
Telangiectasia, hereditary hemorrhagic, type 1 (HHT1). Also called: Osler Weber Rendu syndrome type 1; ENG-Related Hereditary Hemorrhagic Telangiectasia. Identifiers: Orphanet 774, MedGen C4551861, MONDO:0008535, OMIM 187300. Disease mechanism: loss of function.

Submissions (2):

NIHR Bioresource Rare Diseases, University of Cambridge
Classification: Pathogenic for Telangiectasia, hereditary hemorrhagic, type 1. Last evaluated: 2018-01-01. Review status: criteria provided, single submitter. Criteria: ACMG Guidelines, 2015. Collection method: research. Allele origin: unknown. Affected: yes. Observed: 1 variant allele.
Comment: PVS1+PM2+PP4

Rare Disease Genomics Group, St George's University of London
Classification: Pathogenic for Pulmonary arterial hypertension related to hereditary hemorrhagic telangiectasia. Review status: no assertion criteria provided. Collection method: literature only. Allele origin: germline. Affected: yes. Not counted in ClinVar's aggregate classification.

Literature cited by the submitters: PubMed 32573726 (cited by NIHR Bioresource Rare Diseases, University of Cambridge); PubMed 14684682 (cited by Rare Disease Genomics Group, St George's University of London).